The following is an entry in ClinVar:

NM_004104.5(FASN):c.1840C>T (p.His614Tyr)

Gene: FASN (fatty acid synthase; minus strand). Cytogenetic location: 17q25.3.
Variant type: single nucleotide variant.
Coding change: c.1840C>T on transcript NM_004104.5 (MANE Select); coding-DNA position 1840, C replaced by T.
Protein change: p.His614Tyr; replaces histidine 614 with tyrosine.
Molecular consequence: missense variant.
Genome position (GRCh38, 1-based): chr17:82,090,405, G>A on the plus strand (C>T on the coding strand, the complement: FASN is on the minus strand). VCF-style: chr17-82090405-G-A. GRCh37 (hg19) VCF-style: chr17-80048281-G-A.
Other names: short protein forms H614Y.
Identifiers: ClinVar variation 798146 (VCV000798146.32), dbSNP rs140698052, ClinGen allele CA8853015.

ClinVar aggregate classification (germline): Benign/Likely benign. Review status: criteria provided, multiple submitters, no conflicts (2 of 4 stars). 2 submissions from 2 submitters: Benign (1); Likely benign (1). Last evaluated 2025-08-20.

Conditions:
Epileptic encephalopathy. Identifiers: MedGen C0543888, HP:0200134.

Allele frequency attached by ClinVar (database versions not stated): ESP Exome Variant Server 0.00008; gnomAD exomes 0.00019 and 0.00039; TOPMed 0.00023; gnomAD 0.00025 and 0.00028; ExAC 0.00047.
gnomAD v4.1: 341 of 1,598,382 alleles (0.021%); highest among the groups gnomAD compares: Non-Finnish European, 0.0043%; 3 homozygotes.

Submissions (2):

Labcorp Genetics (formerly Invitae), Labcorp
Classification: Benign for Epileptic encephalopathy. Last evaluated: 2025-08-20. Review status: criteria provided, single submitter. Criteria: Invitae Variant Classification Sherloc (09022015). Collection method: clinical testing. Allele origin: germline.

CeGaT Center for Human Genetics Tuebingen
Classification: Likely benign. Last evaluated: 2024-01-01. Review status: criteria provided, single submitter. Criteria: CeGaT Center For Human Genetics Tuebingen Variant Classification Criteria Version 2. Collection method: clinical testing. Allele origin: germline. Affected: yes. Observed: 1 variant allele.
Comment: FASN: BP4